The following is an entry in ClinVar:

ClinVar aggregate classification (germline): Uncertain significance (1 of 4 stars; one submission).

Conditions:
Inborn genetic diseases. Identifiers: MedGen C0950123, MeSH D030342.

Submission:

Ambry Genetics
Classification: Uncertain significance for Inborn genetic diseases. Last evaluated: 2025-03-19. Review status: criteria provided, single submitter. Criteria: Ambry Variant Classification Scheme 2023. Collection method: clinical testing. Allele origin: germline.
Comment: The p.V456I variant (also known as c.1366G>A), located in coding exon 1 of the SAMD9L gene, results from a G to A substitution at nucleotide position 1366. The valine at codon 456 is replaced by isoleucine, an amino acid with highly similar properties. This amino acid position is conserved. In addition, this alteration is predicted to be tolerated by in silico analysis. Based on the available evidence, the clinical significance of this variant remains unclear.

NM_152703.5(SAMD9L):c.1366G>A (p.Val456Ile)

Gene: SAMD9L (sterile alpha motif domain containing 9 like; minus strand). Cytogenetic location: 7q21.2.
Variant type: single nucleotide variant.
Coding change: c.1366G>A on transcript NM_152703.5 (MANE Select); coding-DNA position 1366, G replaced by A.
Protein change: p.Val456Ile; replaces valine 456 with isoleucine.
Molecular consequence: missense variant.
Genome position (GRCh38, 1-based): chr7:93,134,606, C>T on the plus strand (G>A on the coding strand, the complement: SAMD9L is on the minus strand). VCF-style: chr7-93134606-C-T. GRCh37 (hg19) VCF-style: chr7-92763919-C-T.
Other names: c.1366G>A, p.Val456Ile (NM_001303496.3, NM_001303497.3, NM_001303498.3 and 5 more transcripts); short protein forms V456I.
Identifiers: ClinVar variation 3949763 (VCV003949763.1).